The following is an entry in ClinVar:

ClinVar aggregate classification (germline): Uncertain significance (1 of 4 stars; one submission).

Allele frequency attached by ClinVar (database versions not stated): gnomAD exomes below 0.00001.
gnomAD v4.1: 1 of 1,614,160 alleles (0.000062%); highest among the groups gnomAD compares: Non-Finnish European, 0.000085%; no homozygotes.

Submission:

Ambry Genetics
Classification: Uncertain significance. Last evaluated: 2025-01-19. Review status: criteria provided, single submitter. Criteria: Ambry Variant Classification Scheme 2023. Collection method: clinical testing. Allele origin: germline.
Comment: The p.P264A variant (also known as c.790C>G), located in coding exon 1 of the EGLN1 gene, results from a C to G substitution at nucleotide position 790. The proline at codon 264 is replaced by alanine, an amino acid with highly similar properties. This amino acid position is conserved. In addition, this alteration is predicted to be tolerated by in silico analysis. Since supporting evidence is limited at this time, the clinical significance of this alteration remains unclear.

NM_022051.3(EGLN1):c.790C>G (p.Pro264Ala)

Genes: EGLN1 (egl-9 family hypoxia inducible factor 1; minus strand), LOC129932769 (ATAC-STARR-seq lymphoblastoid active region 2730; plus strand). Cytogenetic location: 1q42.2.
Variant type: single nucleotide variant.
Coding change: c.790C>G on transcript NM_022051.3 (MANE Select); coding-DNA position 790, C replaced by G.
Protein change: p.Pro264Ala; replaces proline 264 with alanine.
Molecular consequence: missense variant.
Genome position (GRCh38, 1-based): chr1:231,421,099, G>C on the plus strand (C>G on the coding strand, the complement: EGLN1 is on the minus strand). VCF-style: chr1-231421099-G-C. GRCh37 (hg19) VCF-style: chr1-231556845-G-C.
Other names: c.790C>G, p.Pro264Ala (NM_001377260.1, NM_001377261.1); short protein forms P264A.
Identifiers: ClinVar variation 1761169 (VCV001761169.3), dbSNP rs2527358569, ClinGen allele CA345235233.
Genomic context (GRCh38, chr1:231,421,099, plus strand): 5'-TACAGTGGCGTATCAGGTCGTCCATGCTGCTCATGAGCAGCCCAATGGTTTCGCAGCCGG[G>C]CTCCTTGCCCTCGATCCAGGTGATCTTATCGCCTCGGATGTCCTTGGACGAGTCACTCTT-3'
Protein context (NP_071334.1, residues 254-274): DKITWIEGKE[Pro264Ala]GCETIGLLMS